The following is an entry in ClinVar:

NM_000051.4(ATM):c.8725A>T (p.Arg2909Ter)

Genes: ATM (ATM serine/threonine kinase; plus strand), C11orf65 (chromosome 11 open reading frame 65; minus strand). Cytogenetic location: 11q22.3.
Variant type: single nucleotide variant.
Coding change: c.8725A>T on transcript NM_000051.4 (MANE Select); coding-DNA position 8725, A replaced by T.
Protein change: p.Arg2909Ter; replaces arginine 2909 with a stop codon.
Molecular consequence: nonsense. On other transcripts: intron variant (2).
Genome position (GRCh38, 1-based): chr11:108,353,819, A>T. VCF-style: chr11-108353819-A-T. GRCh37 (hg19) VCF-style: chr11-108224546-A-T.
Other names: c.8725A>T, p.Arg2909Ter (NM_001351834.2); c.640+32101T>A (NM_001330368.2); c.695-18527T>A (NM_001351110.2); short protein forms R2909*.
Identifiers: ClinVar variation 487447 (VCV000487447.13), dbSNP rs1555142845, ClinGen allele CA382523884.

ClinVar aggregate classification (germline): Pathogenic/Likely pathogenic. Review status: criteria provided, multiple submitters, no conflicts (2 of 4 stars). 5 submissions from 5 submitters: Pathogenic (3); Likely pathogenic (1). 1 of the submissions does not count toward it. Last evaluated 2024-11-27.

Conditions:
Hereditary cancer-predisposing syndrome. Also called: Neoplastic Syndromes, Hereditary; Hereditary Cancer Syndrome; Tumor predisposition; Hereditary neoplastic syndrome. Identifiers: Orphanet 140162, MedGen C0027672, MeSH D009386, MONDO:0015356.
Ataxia-telangiectasia syndrome (AT). Also called: LOUIS-BAR SYNDROME; Cerebello-oculocutaneous telangiectasia; Immunodeficiency with ataxia telangiectasia; Ataxia-telangiectasia, complementation group D; AT, COMPLEMENTATION GROUP C; Ataxia-telangiectasia, complementation group E. Identifiers: Orphanet 100, MedGen C0004135, MONDO:0008840, OMIM 208900.
Familial cancer of breast. Also called: Hereditary breast cancer; BREAST CANCER, FAMILIAL; hereditary breast carcinoma. Identifiers: Orphanet 227535, MedGen C0346153, MONDO:0016419, OMIM 114480. Disease mechanism: loss of function.

Submissions (5):

Ambry Genetics
Classification: Pathogenic for Hereditary cancer-predisposing syndrome. Last evaluated: 2024-11-27. Review status: criteria provided, single submitter. Criteria: Ambry Variant Classification Scheme 2023. Collection method: clinical testing. Allele origin: germline.
Comment: The p.R2909* pathogenic mutation (also known as c.8725A>T), located in coding exon 59 of the ATM gene, results from an A to T substitution at nucleotide position 8725. This changes the amino acid from an arginine to a stop codon within coding exon 59. This alteration is expected to result in loss of function by premature protein truncation or nonsense-mediated mRNA decay. As such, this alteration is interpreted as a disease-causing mutation.

Myriad Genetics, Inc.
Classification: Pathogenic for Familial cancer of breast. Last evaluated: 2024-02-05. Review status: criteria provided, single submitter. Criteria: Myriad Autosomal Dominant, Autosomal Recessive and X-Linked Classification Criteria (2023). Collection method: clinical testing. Allele origin: unknown.
Comment: This variant is considered pathogenic. This variant creates a termination codon and is predicted to result in premature protein truncation.

Baylor Genetics
Classification: Likely pathogenic for Familial cancer of breast. Last evaluated: 2021-12-15. Review status: criteria provided, single submitter. Criteria: ACMG Guidelines, 2015. Collection method: clinical testing. Allele origin: unknown.

Labcorp Genetics (formerly Invitae), Labcorp
Classification: Pathogenic for Ataxia-telangiectasia syndrome. Last evaluated: 2021-04-04. Review status: criteria provided, single submitter. Criteria: Invitae Variant Classification Sherloc (09022015). Collection method: clinical testing. Allele origin: germline.
Comment: For these reasons, this variant has been classified as Pathogenic. This variant has not been reported in the literature in individuals with ATM-related conditions. ClinVar contains an entry for this variant (Variation ID: 487447). This variant is not present in population databases (ExAC no frequency). This sequence change creates a premature translational stop signal (p.Arg2909*) in the ATM gene. It is expected to result in an absent or disrupted protein product. Loss-of-function variants in ATM are known to be pathogenic (PMID: 23807571, 25614872).

Counsyl
Classification: Likely pathogenic for Ataxia-telangiectasia syndrome. Last evaluated: 2017-02-21. Review status: no assertion criteria provided. Collection method: clinical testing. Allele origin: unknown. Not counted in ClinVar's aggregate classification.

Literature cited by the submitters: PubMed 23807571 (cited by Labcorp Genetics (formerly Invitae), Labcorp); PubMed 25614872 (cited by Labcorp Genetics (formerly Invitae), Labcorp).